The following is an entry in ClinVar:

ClinVar aggregate classification (germline): Benign/Likely benign. Review status: criteria provided, multiple submitters, no conflicts (2 of 4 stars). 7 submissions from 7 submitters: Benign (3); Likely benign (4). Last evaluated 2026-01-27.

Conditions:
Hereditary spastic paraplegia 54. Also called: Spastic paraplegia 54, autosomal recessive. Identifiers: Orphanet 320380, MedGen C3539495, MONDO:0014018, OMIM 615033.
Hereditary spastic paraplegia. Also called: Familial spastic paraparesis. Identifiers: Orphanet 685, MedGen C0037773, MONDO:0019064. Disease mechanism: loss of function.

Allele frequency attached by ClinVar (database versions not stated): TOPMed 0.00457; ESP Exome Variant Server 0.00515; gnomAD exomes 0.00045 and 0.00087; ExAC 0.00114; 1000 Genomes Project 0.00260; 1000 Genomes Project 30x 0.00281; gnomAD 0.00377 and 0.00410.
gnomAD v4.1: 1,266 of 1,614,194 alleles (0.078%); highest among the groups gnomAD compares: African/African-American, 1.5%; 12 homozygotes.

Submissions (7):

Labcorp Genetics (formerly Invitae), Labcorp
Classification: Benign for Hereditary spastic paraplegia 54. Last evaluated: 2026-01-27. Review status: criteria provided, single submitter. Criteria: Invitae Variant Classification Sherloc (09022015). Collection method: clinical testing. Allele origin: germline.

CeGaT Center for Human Genetics Tuebingen
Classification: Likely benign. Last evaluated: 2025-03-01. Review status: criteria provided, single submitter. Criteria: CeGaT Center For Human Genetics Tuebingen Variant Classification Criteria Version 2. Collection method: clinical testing. Allele origin: germline. Affected: yes. Observed: 1 variant allele.
Comment: DDHD2: BP4, BP7, BS1

Blueprint Genetics
Classification: Likely benign. Last evaluated: 2024-10-02. Review status: criteria provided, single submitter. Criteria: ACMG Guidelines, 2015. Collection method: clinical testing. Allele origin: germline.

Genome Diagnostics Laboratory, The Hospital for Sick Children
Classification: Likely benign for Hereditary spastic paraplegia. Last evaluated: 2022-01-17. Review status: criteria provided, single submitter. Criteria: ACMG Guidelines, 2015. Collection method: clinical testing. Allele origin: germline. Affected: yes.

Mayo Clinic Laboratories, Mayo Clinic
Classification: Benign. Last evaluated: 2019-08-19. Review status: criteria provided, single submitter. Criteria: ACMG Guidelines, 2015. Collection method: clinical testing. Allele origin: germline. Observed: 5 variant alleles.

GeneDx
Classification: Benign. Last evaluated: 2017-11-30. Review status: criteria provided, single submitter. Criteria: GeneDx Variant Classification (06012015). Collection method: clinical testing. Allele origin: germline. Affected: yes.
Comment: This variant is considered likely benign or benign based on one or more of the following criteria: it is a conservative change, it occurs at a poorly conserved position in the protein, it is predicted to be benign by multiple in silico algorithms, and/or has population frequency not consistent with disease.

Breakthrough Genomics
Classification: Likely benign. Review status: criteria provided, single submitter. Criteria: ACMG Guidelines, 2015. Collection method: not provided. Allele origin: germline. Inheritance: Autosomal recessive inheritance. Affected: yes.

NM_015214.3(DDHD2):c.912T>A (p.Ile304=)

Gene: DDHD2 (DDHD domain containing 2; plus strand). Cytogenetic location: 8p11.23.
Variant type: single nucleotide variant.
Coding change: c.912T>A on transcript NM_015214.3 (MANE Select); coding-DNA position 912, T replaced by A.
Protein change: p.Ile304=; no amino-acid change (isoleucine 304 retained).
Molecular consequence: synonymous variant. On other transcripts: non-coding transcript variant (2).
Genome position (GRCh38, 1-based): chr8:38,245,805, T>A. VCF-style: chr8-38245805-T-A. GRCh37 (hg19) VCF-style: chr8-38103323-T-A.
Other names: p.Ile304=; c.912T>A, p.Ile304= (NM_001164232.2, NM_001362911.2, NM_001362912.2 and 1 more transcripts); c.822T>A, p.Ile274= (NM_001362913.2).
Identifiers: ClinVar variation 383022 (VCV000383022.23), dbSNP rs139393309, ClinGen allele CA4716118.
Genomic context (GRCh38, chr8:38,245,805, plus strand): 5'-TCTGCAGCGAATAACCCTGCCCAGCATTAACCGCCTCAGGCACTTCACCAATGACACAAT[T>A]CTGGATGTCTTCTTCTACAATAGTCCCACCTACTGTCAGACTATTGTGGACACAGTTGCT-3'
Protein context (NP_056029.2, residues 294-314): NRLRHFTNDT[Ile304=]LDVFFYNSPT